The following is an entry in ClinVar:

NM_000202.8(IDS):c.1141dup (p.Leu381fs)

Genes: IDS (iduronate 2-sulfatase; minus strand), LOC106050102 (IDS recombination region; plus strand). Cytogenetic location: Xq28.
Variant type: Duplication.
Coding change: c.1141dup on transcript NM_000202.8 (MANE Select); coding-DNA position 1141, one base duplicated (C; older notation c.1141dupC).
Protein change: p.Leu381fs; shifts the reading frame from leucine 381.
Molecular consequence: frameshift variant.
Genome position (GRCh38, 1-based): chrX:149,486,964, G duplicated on the plus strand (C on the coding strand, the reverse complement: IDS is on the minus strand); the first of 2 consecutive G bases (chrX:149,486,964-149,486,965); duplicating either gives the same sequence. VCF-style (leftmost placement, unchanged base first): chrX-149486963-A-AG. GRCh37 (hg19) VCF-style: chrX-148568494-A-AG.
Other names: c.871dup, p.Leu291fs (NM_001166550.4); short protein forms L291fs, L381fs.
Identifiers: ClinVar variation 3255971 (VCV003255971.2).

ClinVar aggregate classification (germline): Pathogenic (1 of 4 stars; one submission).

Conditions:
Mucopolysaccharidosis, MPS-II (MPS2). Also called: Hunter Syndrome; IDURONATE 2-SULFATASE DEFICIENCY; Mucopolysaccharidosis Type II; Mucopolysaccharidosis type 2; Attenuated MPS (subtype; formerly known as mild MPS II); Severe MPS II. Identifiers: Orphanet 580, Orphanet 79388, MedGen C0026705, MONDO:0010674, OMIM 309900.

Submission:

Laboratory of Diagnosis and Therapy of Lysosomal Disorders, University of Padova
Classification: Pathogenic for Mucopolysaccharidosis, MPS-II. Last evaluated: 2024-06-07. Review status: criteria provided, single submitter. Criteria: ACMG Guidelines, 2015. Collection method: literature only. Allele origin: germline. Affected: yes. Observed: 1 variant allele.
Comment: Null variant (PVS1_Strong), Absent from controls (or at low frequency) in gnomAD database (PM2_Moderate), Patient’s phenotype or family history highly specific for the disease (PP4_Strong)

Classification method: ACMG Guidelines [PMID:25741868] with modifications

Literature cited by the submitters: PubMed 22976768.